The following is an entry in ClinVar:

ClinVar aggregate classification (germline): Conflicting classifications of pathogenicity. Review status: criteria provided, conflicting classifications (1 of 4 stars). 5 submissions from 5 submitters: Uncertain significance (3); Likely benign (2). Last evaluated 2026-01-28.

Conditions:
Hereditary cancer-predisposing syndrome. Also called: Neoplastic Syndromes, Hereditary; Hereditary neoplastic syndrome; Tumor predisposition; Hereditary Cancer Syndrome. Identifiers: Orphanet 140162, MedGen C0027672, MeSH D009386, MONDO:0015356.
Papillary renal cell carcinoma type 1 (RCCP1). Also called: RENAL CELL CARCINOMA, PAPILLARY, 1, SOMATIC; Renal adenocarcinoma; Renal cell carcinoma 1; Renal cell carcinoma, somatic. Identifiers: Orphanet 47044, MedGen C1336839, OMIM 605074, HP:0011797.
Arthrogryposis, distal, IIa 11. Also called: Arthrogryposis, distal, type 11. Identifiers: MedGen C5774205, MONDO:0031045, OMIM 620019.
Hepatocellular carcinoma (HCC). Also called: Primary carcinoma of liver; HEPATOMA; LIVER CELL CARCINOMA. Identifiers: Orphanet 88673, MedGen C2239176, MONDO:0007256, OMIM 114550, HP:0001402.
Autosomal recessive nonsyndromic hearing loss 97. Also called: Deafness, autosomal recessive 97. Identifiers: Orphanet 90636, MedGen C4084709, MONDO:0014739, OMIM 616705.
Osteofibrous dysplasia (OSFD). Also called: Tibia, bowing of, with pseudarthrosis and pectus excavatum. Identifiers: Orphanet 488265, MedGen C4085248, MONDO:0011806, OMIM 607278.
Renal cell carcinoma. Identifiers: Orphanet 217071, MedGen C0007134, MeSH D002292, MONDO:0005086, HP:0005584.

Allele frequency attached by ClinVar (database versions not stated): gnomAD exomes below 0.00001; TOPMed below 0.00001; ExAC 0.00002.
gnomAD v4.1: 3 of 1,614,114 alleles (0.00019%); highest among the groups gnomAD compares: East Asian, 0.0022%; no homozygotes.

Submissions (5):

Labcorp Genetics (formerly Invitae), Labcorp
Classification: Uncertain significance for Renal cell carcinoma. Last evaluated: 2026-01-28. Review status: criteria provided, single submitter. Criteria: Invitae Variant Classification Sherloc (09022015). Collection method: clinical testing. Allele origin: germline.
Comment: This sequence change replaces isoleucine, which is neutral and non-polar, with valine, which is neutral and non-polar, at codon 284 of the MET protein (p.Ile284Val). This variant is present in population databases (rs776014448, gnomAD 0.006%). This variant has not been reported in the literature in individuals affected with MET-related conditions. ClinVar contains an entry for this variant (Variation ID: 524884). Invitae Evidence Modeling of protein sequence and biophysical properties (such as structural, functional, and spatial information, amino acid conservation, physicochemical variation, residue mobility, and thermodynamic stability) indicates that this missense variant is not expected to disrupt MET protein function with a negative predictive value of 80%. In summary, the available evidence is currently insufficient to determine the role of this variant in disease. Therefore, it has been classified as a Variant of Uncertain Significance.

Quest Diagnostics Nichols Institute San Juan Capistrano
Classification: Uncertain significance. Last evaluated: 2024-07-02. Review status: criteria provided, single submitter. Criteria: Quest Diagnostics criteria. Collection method: clinical testing. Allele origin: unknown.

Fulgent Genetics
Classification: Uncertain significance for Hepatocellular carcinoma; Papillary renal cell carcinoma type 1; Osteofibrous dysplasia; Autosomal recessive nonsyndromic hearing loss 97; Arthrogryposis, distal, IIa 11. Last evaluated: 2024-06-21. Review status: criteria provided, single submitter. Criteria: ACMG Guidelines, 2015. Collection method: clinical testing. Allele origin: germline.

Ambry Genetics
Classification: Likely benign for Hereditary cancer-predisposing syndrome. Last evaluated: 2020-07-31. Review status: criteria provided, single submitter. Criteria: Ambry Variant Classification Scheme 2023. Collection method: clinical testing. Allele origin: germline.

Mendelics
Classification: Likely benign for Papillary renal cell carcinoma type 1. Last evaluated: 2019-05-28. Review status: criteria provided, single submitter. Criteria: Mendelics Assertion Criteria 2017. Collection method: clinical testing. Allele origin: unknown.

NM_000245.4(MET):c.850A>G (p.Ile284Val)

Gene: MET (MET proto-oncogene, receptor tyrosine kinase; plus strand). Cytogenetic location: 7q31.2.
Variant type: single nucleotide variant.
Coding change: c.850A>G on transcript NM_000245.4 (MANE Select); coding-DNA position 850, A replaced by G.
Protein change: p.Ile284Val; replaces isoleucine 284 with valine.
Molecular consequence: missense variant. On other transcripts: intron variant (1).
Genome position (GRCh38, 1-based): chr7:116,699,934, A>G. VCF-style: chr7-116699934-A-G. GRCh37 (hg19) VCF-style: chr7-116339988-A-G.
Other names: c.850A>G, p.Ile284Val (NM_001127500.3, NM_001324401.3); c.-91+27357A>G (NM_001324402.2); c.850A>G (NM_001127500.2); short protein forms I284V.
Identifiers: ClinVar variation 524884 (VCV000524884.14), dbSNP rs776014448, ClinGen allele CA4448040.
Genomic context (GRCh38, chr7:116,699,934, plus strand): 5'-GTCCAAAGGGAAACTCTAGATGCTCAGACTTTTCACACAAGAATAATCAGGTTCTGTTCC[A>G]TAAACTCTGGATTGCATTCCTACATGGAAATGCCTCTGGAGTGTATTCTCACAGAAAAGA-3'
Protein context (NP_000236.2, residues 274-294): FHTRIIRFCS[Ile284Val]NSGLHSYMEM